The following is an entry in ClinVar:

ClinVar aggregate classification (germline): Uncertain significance (1 of 4 stars; one submission).

Conditions:
Aicardi-Goutieres syndrome 7 (AGS7). Identifiers: Orphanet 51, MedGen C3888244, MONDO:0014367, OMIM 615846.
Singleton-Merten syndrome 1 (SGMRT1). Also called: Widened medullary cavities of bone, aortic calcification, abnormal dentition, and muscular weakness; Syndrome of widened medullary cavities of the metacarpals and phalanges, aortic calcification and abnormal dentition. Identifiers: Orphanet 85191, MedGen C4225427, MONDO:0024535, OMIM 182250.

Submission:

Labcorp Genetics (formerly Invitae), Labcorp
Classification: Uncertain significance for Aicardi-Goutieres syndrome 7; Singleton-Merten syndrome 1. Last evaluated: 2024-06-22. Review status: criteria provided, single submitter. Criteria: Invitae Variant Classification Sherloc (09022015). Collection method: clinical testing. Allele origin: germline.
Comment: This sequence change creates a premature translational stop signal (p.Thr448Glnfs*7) in the IFIH1 gene. It is expected to result in an absent or disrupted protein product. However, the current clinical and genetic evidence is not sufficient to establish whether loss-of-function variants in IFIH1 cause disease. This variant is present in population databases (no rsID available, gnomAD 0.003%). This variant has not been reported in the literature in individuals affected with IFIH1-related conditions. In summary, the available evidence is currently insufficient to determine the role of this variant in disease. Therefore, it has been classified as a Variant of Uncertain Significance.

NM_022168.4(IFIH1):c.1342_1343del (p.Thr448fs)

Gene: IFIH1 (interferon induced with helicase C domain 1; minus strand). Cytogenetic location: 2q24.2.
Variant type: Microsatellite.
Coding change: c.1342_1343del on transcript NM_022168.4 (MANE Select); coding-DNA positions 1342 to 1343, 2 bases deleted (AC; older notation c.1342_1343delAC).
Protein change: p.Thr448fs; shifts the reading frame from threonine 448.
Molecular consequence: frameshift variant.
Genome position (GRCh38, 1-based): chr2:162,281,509-162,281,510, GT deleted on the plus strand (AC on the coding strand, the reverse complement: IFIH1 is on the minus strand); deleting any 2 consecutive bases within chr2:162,281,509-162,281,513 gives the same sequence; the c. name uses the placement nearest the transcript's 3' end. VCF-style (leftmost placement, unchanged base first): chr2-162281508-GGT-G. GRCh37 (hg19) VCF-style: chr2-163138018-GGT-G.
Other names: short protein forms T448fs.
Identifiers: ClinVar variation 2421891 (VCV002421891.6), dbSNP rs1195101187, ClinGen allele CA537507567.
Genomic context (GRCh38, chr2:162,281,508, plus strand): 5'-GTTTTTCAACTTCTGCATCAAATAATGCCTCATGATGTTATTATACACTGCTTCTTTGTT[GGT>G]GTGATGACATTCATCAATGATAATGAGGGAAAAGTCTTAAAAGAAAATTCAAAGAGTTCA-3'